The following is an entry in ClinVar:

ClinVar aggregate classification (germline): Uncertain significance (1 of 4 stars; one submission).

Conditions:
Autosomal dominant hypocalcemia 1 (HYPOC1). Also called: HYPOCALCEMIA, FAMILIAL. Identifiers: MedGen C3715128, MONDO:0011013, OMIM 601198.
Familial hypocalciuric hypercalcemia (FHH). Also called: Familial benign hypercalcemia. Identifiers: Orphanet 405, MedGen C1809471, MONDO:0018458.

Submission:

Labcorp Genetics (formerly Invitae), Labcorp
Classification: Uncertain significance for Familial hypocalciuric hypercalcemia; Autosomal dominant hypocalcemia 1. Last evaluated: 2018-09-03. Review status: criteria provided, single submitter. Criteria: Invitae Variant Classification Sherloc (09022015). Collection method: clinical testing. Allele origin: germline.
Comment: In summary, the available evidence is currently insufficient to determine the role of this variant in disease. Therefore, it has been classified as a Variant of Uncertain Significance. Algorithms developed to predict the effect of missense changes on protein structure and function are either unavailable or do not agree on the potential impact of this missense change (SIFT: "Deleterious"; PolyPhen-2: "Benign"; Align-GVGD: "Class C0"). This variant has not been reported in the literature in individuals with CASR-related disease. This variant is not present in population databases (ExAC no frequency). This sequence change replaces isoleucine with methionine at codon 760 of the CASR protein (p.Ile760Met). The isoleucine residue is highly conserved and there is a small physicochemical difference between isoleucine and methionine.

NM_000388.4(CASR):c.2280C>G (p.Ile760Met)

Gene: CASR (calcium sensing receptor; plus strand). Cytogenetic location: 3q21.1.
Variant type: single nucleotide variant.
Coding change: c.2280C>G on transcript NM_000388.4 (MANE Select); coding-DNA position 2280, C replaced by G.
Protein change: p.Ile760Met; replaces isoleucine 760 with methionine.
Molecular consequence: missense variant.
Genome position (GRCh38, 1-based): chr3:122,284,234, C>G. VCF-style: chr3-122284234-C-G. GRCh37 (hg19) VCF-style: chr3-122003081-C-G.
Other names: c.2310C>G, p.Ile770Met (NM_001178065.2); short protein forms I770M, I760M.
Identifiers: ClinVar variation 647998 (VCV000647998.9), dbSNP rs1553769074, ClinGen allele CA354159297.